The following is an entry in ClinVar:

NM_006393.3(NEBL):c.352A>T (p.Thr118Ser)

Gene: NEBL (nebulette; minus strand). Cytogenetic location: 10p12.31.
Variant type: single nucleotide variant.
Coding change: c.352A>T on transcript NM_006393.3 (MANE Select); coding-DNA position 352, A replaced by T.
Protein change: p.Thr118Ser; replaces threonine 118 with serine.
Molecular consequence: missense variant. On other transcripts: intron variant (9).
Genome position (GRCh38, 1-based): chr10:20,888,114, T>A on the plus strand (A>T on the coding strand, the complement: NEBL is on the minus strand). VCF-style: chr10-20888114-T-A. GRCh37 (hg19) VCF-style: chr10-21177043-T-A.
Other names: c.249+73558A>T (NM_001377326.1, NM_001377327.1, NM_001377328.1); c.357+73558A>T (NM_213569.2, NM_001173484.2, NM_001377322.1); c.300+73558A>T (NM_001377324.1); c.291+73558A>T (NM_001377325.1); c.309+73558A>T (NM_001377323.1); short protein forms T118S.
Identifiers: ClinVar variation 1732340 (VCV001732340.2), dbSNP rs2492541595, ClinGen allele CA376095960.

ClinVar aggregate classification (germline): Uncertain significance (1 of 4 stars; one submission).

Submission:

Ambry Genetics
Classification: Uncertain significance. Last evaluated: 2022-04-09. Review status: criteria provided, single submitter. Criteria: Ambry Variant Classification Scheme 2023. Collection method: clinical testing. Allele origin: germline.
Comment: The p.T118S variant (also known as c.352A>T), located in coding exon 4 of the NEBL gene, results from an A to T substitution at nucleotide position 352. The threonine at codon 118 is replaced by serine, an amino acid with similar properties. This amino acid position is conserved. In addition, this alteration is predicted to be tolerated by in silico analysis. Since supporting evidence is limited at this time, the clinical significance of this alteration remains unclear.